The following is an entry in ClinVar:

NM_013314.4(BLNK):c.115C>T (p.Leu39=)

Gene: BLNK (B cell linker; minus strand). Cytogenetic location: 10q24.1.
Variant type: single nucleotide variant.
Coding change: c.115C>T on transcript NM_013314.4 (MANE Select); coding-DNA position 115, C replaced by T.
Protein change: p.Leu39=; no amino-acid change (leucine 39 retained).
Molecular consequence: synonymous variant. On other transcripts: non-coding transcript variant (4).
Genome position (GRCh38, 1-based): chr10:96,242,783, G>A on the plus strand (C>T on the coding strand, the complement: BLNK is on the minus strand). VCF-style: chr10-96242783-G-A. GRCh37 (hg19) VCF-style: chr10-98002539-G-A.
Other names: c.115C>T, p.Leu39= (NM_001114094.2, NM_001258440.2, NM_001258441.2 and 1 more transcripts).
Identifiers: ClinVar variation 402428 (VCV000402428.39), dbSNP rs34135972, ClinGen allele CA5623589.

ClinVar aggregate classification (germline): Conflicting classifications of pathogenicity. Review status: criteria provided, conflicting classifications (1 of 4 stars). 4 submissions from 4 submitters: Uncertain significance (1); Likely benign (3). Last evaluated 2026-02-01.

Conditions:
Agammaglobulinemia 4, autosomal recessive (AGM4). Also called: B cell linker protein deficiency; AGAMMAGLOBULINEMIA, AUTOSOMAL RECESSIVE, DUE TO BLNK DEFECT. Identifiers: MedGen C3150752, MONDO:0013289, OMIM 613502.

Allele frequency attached by ClinVar (database versions not stated): ExAC 0.00015; gnomAD exomes 0.00021 and 0.00052; ESP Exome Variant Server 0.00023; TOPMed 0.00023; gnomAD 0.00024 and 0.00026.

Submissions (4):

CeGaT Center for Human Genetics Tuebingen
Classification: Likely benign. Last evaluated: 2026-02-01. Review status: criteria provided, single submitter. Criteria: CeGaT Center For Human Genetics Tuebingen Variant Classification Criteria Version 2. Collection method: clinical testing. Allele origin: germline. Affected: yes. Observed: 2 variant alleles.
Comment: BLNK: BP4, BP7

Labcorp Genetics (formerly Invitae), Labcorp
Classification: Likely benign for Agammaglobulinemia 4, autosomal recessive. Last evaluated: 2026-02-01. Review status: criteria provided, single submitter. Criteria: Invitae Variant Classification Sherloc (09022015). Collection method: clinical testing. Allele origin: germline.

Blueprint Genetics
Classification: Likely benign. Last evaluated: 2024-06-26. Review status: criteria provided, single submitter. Criteria: ACMG Guidelines, 2015. Collection method: clinical testing. Allele origin: germline.

Laboratory for Molecular Medicine, Mass General Brigham Personalized Medicine
Classification: Uncertain significance. Last evaluated: 2016-03-29. Review status: criteria provided, single submitter. Criteria: LMM Criteria. Collection method: clinical testing. Allele origin: germline.
Comment: Variant identified in a genome or exome case(s) and assessed due to predicted null impact of the variant or pathogenic assertions in the literature or databases. Disclaimer: This variant has not undergone full assessment. The following are preliminary notes: Frequency - OB 10/19/15: Silent variant, 2 bp away from the splice site. Identified in 17/66702 Eur chr in ExAC. LOF in the gene has been associated with hypogammaglobulinemia in one study. Limited evidence for gene-disease association.